The following is an entry in ClinVar:

NM_004380.3(CREBBP):c.4846G>A (p.Asp1616Asn)

Gene: CREBBP (CREB binding lysine acetyltransferase; minus strand). Cytogenetic location: 16p13.3.
Variant type: single nucleotide variant.
Coding change: c.4846G>A on transcript NM_004380.3 (MANE Select); coding-DNA position 4846, G replaced by A.
Protein change: p.Asp1616Asn; replaces aspartic acid 1616 with asparagine.
Molecular consequence: missense variant.
Genome position (GRCh38, 1-based): chr16:3,731,820, C>T on the plus strand (G>A on the coding strand, the complement: CREBBP is on the minus strand). VCF-style: chr16-3731820-C-T. GRCh37 (hg19) VCF-style: chr16-3781821-C-T.
Other names: c.4732G>A, p.Asp1578Asn (NM_001079846.1); short protein forms D1616N, D1578N.
Identifiers: ClinVar variation 2852971 (VCV002852971.3), dbSNP rs2151319030, ClinGen allele CA394559757.

ClinVar aggregate classification (germline): Uncertain significance (1 of 4 stars; one submission).

Conditions:
Rubinstein-Taybi syndrome (RSTS). Identifiers: Orphanet 783, MedGen C0035934, MONDO:0019188.

Submission:

Labcorp Genetics (formerly Invitae), Labcorp
Classification: Uncertain significance for Rubinstein-Taybi syndrome. Last evaluated: 2023-07-09. Review status: criteria provided, single submitter. Criteria: Invitae Variant Classification Sherloc (09022015). Collection method: clinical testing. Allele origin: germline.
Comment: This sequence change replaces aspartic acid, which is acidic and polar, with asparagine, which is neutral and polar, at codon 1616 of the CREBBP protein (p.Asp1616Asn). This variant is not present in population databases (gnomAD no frequency). This variant has not been reported in the literature in individuals affected with CREBBP-related conditions. Advanced modeling of protein sequence and biophysical properties (such as structural, functional, and spatial information, amino acid conservation, physicochemical variation, residue mobility, and thermodynamic stability) has been performed at Invitae for this missense variant, however the output from this modeling did not meet the statistical confidence thresholds required to predict the impact of this variant on CREBBP protein function. In summary, the available evidence is currently insufficient to determine the role of this variant in disease. Therefore, it has been classified as a Variant of Uncertain Significance.